The following is an entry in ClinVar:

NM_001378457.1(DMXL2):c.909C>A (p.Asp303Glu)

Gene: DMXL2 (Dmx like 2; minus strand). Cytogenetic location: 15q21.2.
Variant type: single nucleotide variant.
Coding change: c.909C>A on transcript NM_001378457.1 (MANE Select); coding-DNA position 909, C replaced by A.
Protein change: p.Asp303Glu; replaces aspartic acid 303 with glutamic acid.
Molecular consequence: missense variant. On other transcripts: non-coding transcript variant (2).
Genome position (GRCh38, 1-based): chr15:51,545,604, G>T on the plus strand (C>A on the coding strand, the complement: DMXL2 is on the minus strand). VCF-style: chr15-51545604-G-T. GRCh37 (hg19) VCF-style: chr15-51837801-G-T.
Other names: c.909C>A, p.Asp303Glu (NM_001174116.3, NM_001174117.3, NM_001378458.1 and 7 more transcripts); short protein forms D303E.
Identifiers: ClinVar variation 1354749 (VCV001354749.6), dbSNP rs1596202156, ClinGen allele CA392468858.
Genomic context (GRCh38, chr15:51,545,604, plus strand): 5'-ATCTTCAAAATTCATTTACCATTTTAAATAATATAATACCTCAAGAGCATGCTGTATTCT[G>T]TCTTTGTGTCTTCCAGCATGAGAAAGGCTGCTGGCAATGCTGGAAGTGGTAGTCTCACAA-3'
Protein context (NP_001365386.1, residues 293-313): SSLSHAGRHK[Asp303Glu]RIQHALETIH

ClinVar aggregate classification (germline): Uncertain significance (1 of 4 stars; one submission).

Submission:

Labcorp Genetics (formerly Invitae), Labcorp
Classification: Uncertain significance. Last evaluated: 2021-12-02. Review status: criteria provided, single submitter. Criteria: Invitae Variant Classification Sherloc (09022015). Collection method: clinical testing. Allele origin: germline.
Comment: This sequence change replaces aspartic acid, which is acidic and polar, with glutamic acid, which is acidic and polar, at codon 303 of the DMXL2 protein (p.Asp303Glu). This variant is not present in population databases (gnomAD no frequency). This variant has not been reported in the literature in individuals affected with DMXL2-related conditions. Algorithms developed to predict the effect of missense changes on protein structure and function are either unavailable or do not agree on the potential impact of this missense change (SIFT: "Tolerated"; PolyPhen-2: "Possibly Damaging"; Align-GVGD: "Class C0"). In summary, the available evidence is currently insufficient to determine the role of this variant in disease. Therefore, it has been classified as a Variant of Uncertain Significance.